The following is an entry in ClinVar:

NM_000179.3(MSH6):c.3989T>C (p.Leu1330Pro)

Gene: MSH6 (mutS homolog 6; plus strand). Cytogenetic location: 2p16.3.
Variant type: single nucleotide variant.
Coding change: c.3989T>C on transcript NM_000179.3 (MANE Select); coding-DNA position 3989, T replaced by C.
Protein change: p.Leu1330Pro; replaces leucine 1330 with proline.
Molecular consequence: missense variant.
Genome position (GRCh38, 1-based): chr2:47,806,639, T>C. VCF-style: chr2-47806639-T-C. GRCh37 (hg19) VCF-style: chr2-48033778-T-C.
Other names: c.3599T>C, p.Leu1200Pro (NM_001281492.2); c.3083T>C, p.Leu1028Pro (NM_001281493.2, NM_001281494.2, NM_001406811.1 and 6 more transcripts); c.4085T>C, p.Leu1362Pro (NM_001406795.1); c.3989T>C, p.Leu1330Pro (NM_001406796.1, NM_001406808.1, NM_001406809.1); c.3692T>C, p.Leu1231Pro (NM_001406797.1, NM_001406801.1, NM_001406805.1 and 10 more transcripts); c.3815T>C, p.Leu1272Pro (NM_001406798.1); c.3464T>C, p.Leu1155Pro (NM_001406799.1, NM_001406806.1, NM_001406807.1); c.*10T>C (NM_001406800.1); and 8 more; short protein forms L1155P, L1231P, L1332P, L1362P, L279P, L645P, L808P, L1042P.
Identifiers: ClinVar variation 1736744 (VCV001736744.2), dbSNP rs774395829, ClinGen allele CA346761592.
Genomic context (GRCh38, chr2:47,806,639, plus strand): 5'-AGGAAGTTATTCAAAAGGGACATAGAAAAGCAAGAGAATTTGAGAAGATGAATCAGTCAC[T>C]ACGATTATTTCGGTAACTAACTAACTATAATGGAATTATAACTAACTGACCTTAAGTTTC-3'
Protein context (NP_000170.1, residues 1320-1340): AREFEKMNQS[Leu1330Pro]RLFREVCLAS

ClinVar aggregate classification (germline): Uncertain significance (1 of 4 stars; one submission).

Conditions:
Hereditary cancer-predisposing syndrome. Also called: Neoplastic Syndromes, Hereditary; Tumor predisposition; Hereditary Cancer Syndrome; Hereditary neoplastic syndrome. Identifiers: Orphanet 140162, MedGen C0027672, MeSH D009386, MONDO:0015356.

Submission:

Ambry Genetics
Classification: Uncertain significance for Hereditary cancer-predisposing syndrome. Last evaluated: 2017-12-14. Review status: criteria provided, single submitter. Criteria: Ambry Variant Classification Scheme 2023. Collection method: clinical testing. Allele origin: germline.
Comment: The p.L1330P variant (also known as c.3989T>C), located in coding exon 9 of the MSH6 gene, results from a T to C substitution at nucleotide position 3989. The leucine at codon 1330 is replaced by proline, an amino acid with similar properties. This amino acid position is highly conserved in available vertebrate species. In addition, this alteration is predicted to be deleterious by in silico analysis. In addition, the CoDP in silico tool predicts this alteration to have a likely impact on molecular function, with a score of 0.840 (Terui H et al. J. Biomed. Sci. 2013 Apr;20:25). Since supporting evidence is limited at this time, the clinical significance of this alteration remains unclear.